The following is an entry in ClinVar:

NM_003036.4(SKI):c.259C>T (p.Pro87Ser)

Gene: SKI (SKI proto-oncogene; plus strand). Cytogenetic location: 1p36.33.
Variant type: single nucleotide variant.
Coding change: c.259C>T on transcript NM_003036.4 (MANE Select); coding-DNA position 259, C replaced by T.
Protein change: p.Pro87Ser; replaces proline 87 with serine.
Molecular consequence: missense variant.
Genome position (GRCh38, 1-based): chr1:2,229,025, C>T. VCF-style: chr1-2229025-C-T. GRCh37 (hg19) VCF-style: chr1-2160464-C-T.
Other names: short protein forms P87S.
Identifiers: ClinVar variation 3027309 (VCV003027309.22), dbSNP rs2527576755, ClinGen allele CA337952412.

ClinVar aggregate classification (germline): Uncertain significance (1 of 4 stars; one submission).

Submission:

CeGaT Center for Human Genetics Tuebingen
Classification: Uncertain significance. Last evaluated: 2024-02-01. Review status: criteria provided, single submitter. Criteria: CeGaT Center For Human Genetics Tuebingen Variant Classification Criteria Version 2. Collection method: clinical testing. Allele origin: germline. Affected: yes. Observed: 1 variant allele.
Comment: SKI: PM2, PP2, BP5